The following is an entry in ClinVar:

ClinVar aggregate classification (germline): Uncertain significance (1 of 4 stars; one submission).

Submission:

Labcorp Genetics (formerly Invitae), Labcorp
Classification: Uncertain significance. Last evaluated: 2023-08-07. Review status: criteria provided, single submitter. Criteria: Invitae Variant Classification Sherloc (09022015). Collection method: clinical testing. Allele origin: germline.
Comment: This sequence change replaces arginine, which is basic and polar, with leucine, which is neutral and non-polar, at codon 651 of the COL9A2 protein (p.Arg651Leu). This variant is not present in population databases (gnomAD no frequency). This variant has not been reported in the literature in individuals affected with COL9A2-related conditions. Advanced modeling of protein sequence and biophysical properties (such as structural, functional, and spatial information, amino acid conservation, physicochemical variation, residue mobility, and thermodynamic stability) performed at Invitae indicates that this missense variant is not expected to disrupt COL9A2 protein function. In summary, the available evidence is currently insufficient to determine the role of this variant in disease. Therefore, it has been classified as a Variant of Uncertain Significance.

NM_001852.4(COL9A2):c.1952G>T (p.Arg651Leu)

Gene: COL9A2 (collagen type IX alpha 2 chain; minus strand). Cytogenetic location: 1p34.2.
Variant type: single nucleotide variant.
Coding change: c.1952G>T on transcript NM_001852.4 (MANE Select); coding-DNA position 1952, G replaced by T.
Protein change: p.Arg651Leu; replaces arginine 651 with leucine.
Molecular consequence: missense variant.
Genome position (GRCh38, 1-based): chr1:40,301,300, C>A on the plus strand (G>T on the coding strand, the complement: COL9A2 is on the minus strand). VCF-style: chr1-40301300-C-A. GRCh37 (hg19) VCF-style: chr1-40766972-C-A.
Other names: short protein forms R651L.
Identifiers: ClinVar variation 2751054 (VCV002751054.3), dbSNP rs199850925, ClinGen allele CA339874061.